The following is an entry in ClinVar:

ClinVar aggregate classification (germline): Pathogenic (1 of 4 stars; one submission).

Conditions:
Polycystic kidney disease, adult type (PKD1). Also called: POLYCYSTIC KIDNEY DISEASE 1 WITH OR WITHOUT POLYCYSTIC LIVER DISEASE; POLYCYSTIC KIDNEY DISEASE, ADULT, TYPE I; Polycystic Kidney Disease 1, Autosomal Dominant; Polycystic kidney disease 1; Polycystic kidney disease 1, severe; Polycystic Kidney, Autosomal Dominant. Identifiers: MedGen C3149841, MONDO:0008263, OMIM 173900.

Submission:

Juno Genomics, Hangzhou Juno Genomics, Inc
Classification: Pathogenic for Polycystic kidney disease, adult type. Review status: criteria provided, single submitter. Criteria: ACMG Guidelines, 2015. Collection method: clinical testing. Allele origin: germline. Affected: yes.
Comment: Absent from controls (or at extremely low frequency if recessive) in Genome Aggregation Database, Exome Sequencing Project, 1000 Genomes Project, or Exome Aggregation Consortium.;Null variant in a gene where loss of function (LOF) is a known mechanism of disease.;Patient's phenotype or family history is highly specific for a disease with a single genetic etiology.

NM_001009944.3(PKD1):c.3948del (p.Ala1315_Tyr1316insTer)

Gene: PKD1 (polycystin 1, transient receptor potential channel interacting; minus strand). Cytogenetic location: 16p13.3.
Variant type: Deletion.
Coding change: c.3948del on transcript NM_001009944.3 (MANE Select); coding-DNA position 3948, one base deleted (C; older notation c.3948delC).
Protein change: p.Ala1315_Tyr1316insTer.
Molecular consequence: nonsense.
Genome position (GRCh38, 1-based): chr16:2,111,219, G deleted on the plus strand (C on the coding strand, the reverse complement: PKD1 is on the minus strand). VCF-style (leftmost placement, unchanged base first): chr16-2111218-CG-C. GRCh37 (hg19) VCF-style: chr16-2161219-CG-C.
Other names: c.3948del, p.Ala1315_Tyr1316insTer (NM_000296.4).
Identifiers: ClinVar variation 3899371 (VCV003899371.2).
Genomic context (GRCh38, chr16:2,111,218, plus strand): 5'-TGTTGGAGGAGCCATCCCCGAAGGTCCAGTCGAAGAGGTAGTGGGCCGGGTTCCCGGTGA[CG>C]TAGGCCGTGAGCCGCGCGTCAGGCTGCGTGGGGATGCAGGCGGCGGGTTCAACGCGCAGC-3'